The following is an entry in ClinVar:

ClinVar aggregate classification (germline): Uncertain significance (1 of 4 stars; one submission).

gnomAD v4.1: 1 of 1,613,702 alleles (0.000062%); highest among the groups gnomAD compares: Non-Finnish European, 0.000085%; no homozygotes.

Submission:

Labcorp Genetics (formerly Invitae), Labcorp
Classification: Uncertain significance. Last evaluated: 2024-02-11. Review status: criteria provided, single submitter. Criteria: Invitae Variant Classification Sherloc (09022015). Collection method: clinical testing. Allele origin: germline.
Comment: This sequence change creates a premature translational stop signal (p.Arg566*) in the VAV1 gene. It is expected to result in an absent or disrupted protein product. However, the current clinical and genetic evidence is not sufficient to establish whether loss-of-function variants in VAV1 cause disease. This variant is not present in population databases (gnomAD no frequency). This variant has not been reported in the literature in individuals affected with VAV1-related conditions. Algorithms developed to predict the effect of sequence changes on RNA splicing suggest that this variant may disrupt the consensus splice site. In summary, the available evidence is currently insufficient to determine the role of this variant in disease. Therefore, it has been classified as a Variant of Uncertain Significance.

NM_005428.4(VAV1):c.1696C>T (p.Arg566Ter)

Gene: VAV1 (vav guanine nucleotide exchange factor 1; plus strand). Cytogenetic location: 19p13.3.
Variant type: single nucleotide variant.
Coding change: c.1696C>T on transcript NM_005428.4 (MANE Select); coding-DNA position 1696, C replaced by T.
Protein change: p.Arg566Ter; replaces arginine 566 with a stop codon.
Molecular consequence: nonsense.
Genome position (GRCh38, 1-based): chr19:6,833,613, C>T. VCF-style: chr19-6833613-C-T. GRCh37 (hg19) VCF-style: chr19-6833624-C-T.
Other names: c.1696C>T, p.Arg566Ter (NM_001258206.2); c.1600C>T, p.Arg534Ter (NM_001258207.2); short protein forms R566*, R534*.
Identifiers: ClinVar variation 3671657 (VCV003671657.2).